The following is an entry in ClinVar:

NC_000004.11:g.(?_55602654)_(55604723_?)dup

Gene: KIT (KIT proto-oncogene, receptor tyrosine kinase; plus strand). Cytogenetic location: 4q12.
Variant type: Duplication.
Identifiers: ClinVar variation 3246591 (VCV003246591.1).

ClinVar aggregate classification (germline): Uncertain significance (1 of 4 stars; one submission).

Conditions:
Gastrointestinal stromal tumor. Also called: Gastrointestinal stromal tumor, somatic; Gastrointestinal stroma tumor. Identifiers: Orphanet 44890, MedGen C0238198, MeSH D046152, MONDO:0011719, OMIM 606764, HP:0100723.

Submission:

Labcorp Genetics (formerly Invitae), Labcorp
Classification: Uncertain significance for Gastrointestinal stromal tumor. Last evaluated: 2023-03-23. Review status: criteria provided, single submitter. Criteria: Invitae Variant Classification Sherloc (09022015). Collection method: clinical testing. Allele origin: unknown.
Comment: In summary, the available evidence is currently insufficient to determine the role of this variant in disease. Therefore, it has been classified as a Variant of Uncertain Significance. This variant has not been reported in the literature in individuals affected with KIT-related conditions. This variant results in a copy number gain of the genomic region encompassing exon(s) 18-21 of the KIT gene. This region includes the termination codon of the gene. This copy number gain extends beyond the assayed region for this gene and therefore may encompass additional genes. As the precise location of this event is unknown, it may be in tandem or it may be located elsewhere in the genome.